The following is an entry in ClinVar:

NM_181703.4(GJA5):c.810C>A (p.Cys270Ter)

Genes: GJA5 (gap junction protein alpha 5; minus strand), LOC122128420 (Sharpr-MPRA regulatory region 3144; plus strand). Cytogenetic location: 1q21.2.
Variant type: single nucleotide variant.
Coding change: c.810C>A on transcript NM_181703.4 (MANE Select); coding-DNA position 810, C replaced by A.
Protein change: p.Cys270Ter; replaces cysteine 270 with a stop codon.
Molecular consequence: nonsense.
Genome position (GRCh38, 1-based): chr1:147,758,429, G>T on the plus strand (C>A on the coding strand, the complement: GJA5 is on the minus strand). VCF-style: chr1-147758429-G-T. GRCh37 (hg19) VCF-style: chr1-147230537-G-T.
Other names: c.810C>A, p.Cys270Ter (NM_005266.7); short protein forms C270*.
Identifiers: ClinVar variation 3757934 (VCV003757934.2).
Genomic context (GRCh38, chr1:147,758,429, plus strand): 5'-TTGGGAGGCCATATTATTGCTGAAGGGATTGAAGAATTTTCCCCCAGGGCCATTCTCCAG[G>T]CACTGATTAAAGTCGGGGGGTGGTGTGCAGCTCTGGACTATGCCCACAGAGGGGCCAGAA-3'

ClinVar aggregate classification (germline): Uncertain significance (1 of 4 stars; one submission).

Conditions:
Atrial fibrillation, familial, 11 (ATFB11). Identifiers: MedGen C3279693, MONDO:0013544, OMIM 614049.
Atrial standstill 1 (ATRST1). Also called: ATRIAL CARDIOMYOPATHY WITH HEART BLOCK; CARDIOMYOPATHY, FAMILIAL, WITH CONDUCTION DISTURBANCE; Atrial standstill, digenic (GJA5/SCN5A). Identifiers: Orphanet 1344, MedGen C4551959, MONDO:0007171, OMIM 108770.

gnomAD v4.1: 1 of 1,614,180 alleles (0.000062%); highest among the groups gnomAD compares: South Asian, 0.0011%; no homozygotes.

Submission:

Labcorp Genetics (formerly Invitae), Labcorp
Classification: Uncertain significance for Atrial fibrillation, familial, 11; Atrial standstill 1. Last evaluated: 2024-09-02. Review status: criteria provided, single submitter. Criteria: Invitae Variant Classification Sherloc (09022015). Collection method: clinical testing. Allele origin: germline.
Comment: This sequence change creates a premature translational stop signal (p.Cys270*) in the GJA5 gene. While this is not anticipated to result in nonsense mediated decay, it is expected to disrupt the last 89 amino acid(s) of the GJA5 protein. This variant is not present in population databases (gnomAD no frequency). This variant has not been reported in the literature in individuals affected with GJA5-related conditions. Experimental studies and prediction algorithms are not available or were not evaluated, and the functional significance of this variant is currently unknown. In summary, the available evidence is currently insufficient to determine the role of this variant in disease. Therefore, it has been classified as a Variant of Uncertain Significance.